The following is an entry in ClinVar:

ClinVar aggregate classification (germline): Uncertain significance (1 of 4 stars; one submission).

Submission:

Ambry Genetics
Classification: Uncertain significance. Last evaluated: 2024-02-06. Review status: criteria provided, single submitter. Criteria: Ambry Variant Classification Scheme 2023. Collection method: clinical testing. Allele origin: germline.
Comment: The p.C61F variant (also known as c.182G>T), located in coding exon 1 of the MNDA gene, results from a G to T substitution at nucleotide position 182. The cysteine at codon 61 is replaced by phenylalanine, an amino acid with highly dissimilar properties. This amino acid position is conserved. In addition, this alteration is predicted to be tolerated by in silico analysis. Based on the available evidence, the clinical significance of this alteration remains unclear.

NM_002432.3(MNDA):c.182G>T (p.Cys61Phe)

Gene: MNDA (myeloid cell nuclear differentiation antigen; plus strand). Cytogenetic location: 1q23.1.
Variant type: single nucleotide variant.
Coding change: c.182G>T on transcript NM_002432.3 (MANE Select); coding-DNA position 182, G replaced by T.
Protein change: p.Cys61Phe; replaces cysteine 61 with phenylalanine.
Molecular consequence: missense variant.
Genome position (GRCh38, 1-based): chr1:158,842,335, G>T. VCF-style: chr1-158842335-G-T. GRCh37 (hg19) VCF-style: chr1-158812125-G-T.
Other names: short protein forms C61F.
Identifiers: ClinVar variation 3222179 (VCV003222179.1), dbSNP rs2526075361, ClinGen allele CA343036981.